The following is an entry in ClinVar:

NM_173628.4(DNAH17):c.2487C>T (p.Tyr829=)

Gene: DNAH17 (dynein axonemal heavy chain 17; minus strand). Cytogenetic location: 17q25.3.
Variant type: single nucleotide variant.
Coding change: c.2487C>T on transcript NM_173628.4 (MANE Select); coding-DNA position 2487, C replaced by T.
Protein change: p.Tyr829=; no amino-acid change (tyrosine 829 retained).
Molecular consequence: synonymous variant.
Genome position (GRCh38, 1-based): chr17:78,543,902, G>A on the plus strand (C>T on the coding strand, the complement: DNAH17 is on the minus strand). VCF-style: chr17-78543902-G-A. GRCh37 (hg19) VCF-style: chr17-76539984-G-A.
Other names: c.2487C>T (NM_173628.3).
Identifiers: ClinVar variation 3025759 (VCV003025759.23), dbSNP rs145351930, ClinGen allele CA8804667.

ClinVar aggregate classification (germline): Likely benign. Review status: criteria provided, single submitter (1 of 4 stars). 2 submissions from 2 submitters: Likely benign (1). 1 of the submissions does not count toward it. Last evaluated 2024-02-01.

Conditions:
DNAH17-related disorder. Also called: DNAH17-related condition.

Allele frequency attached by ClinVar (database versions not stated): gnomAD exomes 0.00012; ExAC 0.00023; TOPMed 0.00051; gnomAD 0.00054; 1000 Genomes Project 0.00060; ESP Exome Variant Server 0.00077; 1000 Genomes Project 30x 0.00078.
gnomAD v4.1: 256 of 1,614,020 alleles (0.016%); highest among the groups gnomAD compares: African/African-American, 0.17%; 1 homozygote.

Submissions (2):

CeGaT Center for Human Genetics Tuebingen
Classification: Likely benign. Last evaluated: 2024-02-01. Review status: criteria provided, single submitter. Criteria: CeGaT Center For Human Genetics Tuebingen Variant Classification Criteria Version 2. Collection method: clinical testing. Allele origin: germline. Affected: yes. Observed: 1 variant allele.
Comment: DNAH17: BP4

PreventionGenetics, part of Exact Sciences
Classification: Likely benign for DNAH17-related condition. Last evaluated: 2019-02-18. Review status: no assertion criteria provided. Collection method: clinical testing. Allele origin: germline. Not counted in ClinVar's aggregate classification.
Comment: This variant is classified as likely benign based on ACMG/AMP sequence variant interpretation guidelines (Richards et al. 2015 PMID: 25741868, with internal and published modifications).